The following is an entry in ClinVar:

NM_004006.3(DMD):c.1683G>A (p.Trp561Ter)

Gene: DMD (dystrophin; minus strand). Cytogenetic location: Xp21.1.
Variant type: single nucleotide variant.
Coding change: c.1683G>A on transcript NM_004006.3 (MANE Select); coding-DNA position 1683, G replaced by A.
Protein change: p.Trp561Ter; replaces tryptophan 561 with a stop codon.
Molecular consequence: nonsense.
Genome position (GRCh38, 1-based): chrX:32,573,766, C>T on the plus strand (G>A on the coding strand, the complement: DMD is on the minus strand). VCF-style: chrX-32573766-C-T. GRCh37 (hg19) VCF-style: chrX-32591883-C-T.
Other names: c.1659G>A, p.Trp553Ter (NM_000109.4); c.1671G>A, p.Trp557Ter (NM_004009.3); c.1314G>A, p.Trp438Ter (NM_004010.3); short protein forms W561*, W438*, W553*, W557*.
Identifiers: ClinVar variation 217181 (VCV000217181.9), dbSNP rs863224984, ClinGen allele CA347533.

ClinVar aggregate classification (germline): Pathogenic. Review status: criteria provided, multiple submitters, no conflicts (2 of 4 stars). 4 submissions from 4 submitters: Pathogenic (4). Last evaluated 2024-11-30.

Conditions:
Becker muscular dystrophy, Cardiomyopathy, Duchenne muscular dystrophy, Dystrophin deficiency.
Duchenne muscular dystrophy (DMD). Also called: MUSCULAR DYSTROPHY, PSEUDOHYPERTROPHIC PROGRESSIVE, DUCHENNE TYPE; Duchenne Muscular Dystrophy (DMD). Identifiers: Orphanet 98896, MedGen C0013264, MONDO:0010679, OMIM 310200.

Submissions (4):

Labcorp Genetics (formerly Invitae), Labcorp
Classification: Pathogenic for Duchenne muscular dystrophy. Last evaluated: 2024-11-30. Review status: criteria provided, single submitter. Criteria: Invitae Variant Classification Sherloc (09022015). Collection method: clinical testing. Allele origin: germline.
Comment: This sequence change creates a premature translational stop signal (p.Trp561*) in the DMD gene. It is expected to result in an absent or disrupted protein product. Loss-of-function variants in DMD are known to be pathogenic (PMID: 16770791, 25007885). This variant is not present in population databases (gnomAD no frequency). This premature translational stop signal has been observed in individual(s) with Duchenne muscular dystrophy (PMID: 17041906). ClinVar contains an entry for this variant (Variation ID: 217181). For these reasons, this variant has been classified as Pathogenic.

Natera, Inc.
Classification: Pathogenic for Becker muscular dystrophy, Cardiomyopathy, Duchenne muscular dystrophy, Dystrophin deficiency. Last evaluated: 2024-05-21. Review status: criteria provided, single submitter. Criteria: Natera Variant Classification Schema (03/2026). Collection method: clinical testing. Allele origin: germline.
Comment: The c.1683G>A variant in DMD is a nonsense variant predicted to introduce a stop codon at amino acid 561. This variant is expected to result in nonsense mediated decay, truncation, or a dysfunctional protein product. This variant is rare in the general population with a frequency below the threshold expected for the associated phenotype(s). This variant has been observed in affected individual(s) with monoallelic occurrence (heterozygous/hemizygous) (PMID: 17041906, 24770780). Given the available evidence, this variant is classified as Pathogenic.

GeneDx
Classification: Pathogenic. Last evaluated: 2023-02-20. Review status: criteria provided, single submitter. Criteria: GeneDx Variant Classification Process June 2021. Collection method: clinical testing. Allele origin: germline. Affected: yes.
Comment: Published functional studies demonstrate a damaging effect on the dystrophin protein (Deburgrave et al., 2007); Nonsense variant predicted to result in protein truncation or nonsense mediated decay in a gene for which loss of function is a known mechanism of disease; Not observed at significant frequency in large population cohorts (gnomAD); Based on the understanding of this genetic alteration, it may be amenable to nonsense read-through therapy that is currently available or in clinical trial; This variant is associated with the following publications: (PMID: 25525159, 24770780, 11524473, 17041906)

Athena Diagnostics
Classification: Pathogenic for Duchenne muscular dystrophy. Last evaluated: 2014-07-21. Review status: criteria provided, single submitter. Criteria: Athena Diagnostics Criteria. Collection method: clinical testing. Allele origin: germline. Inheritance: X-linked recessive inheritance.
Comment: X-linked recessive inheritance

Literature cited by the submitters: PubMed 16770791 (cited by Labcorp Genetics (formerly Invitae), Labcorp); PubMed 25007885 (cited by Labcorp Genetics (formerly Invitae), Labcorp); PubMed 17041906 (cited by 3 submitters); PubMed 24770780 (cited by Natera, Inc.).